The following is an entry in ClinVar:

NM_006734.4(HIVEP2):c.1163T>C (p.Leu388Pro)

Gene: HIVEP2 (HIVEP zinc finger 2; minus strand). Cytogenetic location: 6q24.2.
Variant type: single nucleotide variant.
Coding change: c.1163T>C on transcript NM_006734.4 (MANE Select); coding-DNA position 1163, T replaced by C.
Protein change: p.Leu388Pro; replaces leucine 388 with proline.
Molecular consequence: missense variant.
Genome position (GRCh38, 1-based): chr6:142,773,576, A>G on the plus strand (T>C on the coding strand, the complement: HIVEP2 is on the minus strand). VCF-style: chr6-142773576-A-G. GRCh37 (hg19) VCF-style: chr6-143094713-A-G.
Other names: short protein forms L388P.
Identifiers: ClinVar variation 3654859 (VCV003654859.2).
Genomic context (GRCh38, chr6:142,773,576, plus strand): 5'-TCAGCACTTTCTGAGCGAGAAAAGTAACCAGAATCAGTGCTTCCTTTACTGTGCGGGCTC[A>G]GAAGGTTGAGCGATGGCTCAGAATCTTGTCCTTTTTTCTCTGACAGTCTTAGTGCAAGTT-3'
Protein context (NP_006725.3, residues 378-398): GQDSEPSLNL[Leu388Pro]SPHSKGSTDS

ClinVar aggregate classification (germline): Uncertain significance (1 of 4 stars; one submission).

Submission:

Labcorp Genetics (formerly Invitae), Labcorp
Classification: Uncertain significance. Last evaluated: 2024-05-28. Review status: criteria provided, single submitter. Criteria: Invitae Variant Classification Sherloc (09022015). Collection method: clinical testing. Allele origin: germline.
Comment: This sequence change replaces leucine, which is neutral and non-polar, with proline, which is neutral and non-polar, at codon 388 of the HIVEP2 protein (p.Leu388Pro). This variant is not present in population databases (gnomAD no frequency). This variant has not been reported in the literature in individuals affected with HIVEP2-related conditions. Advanced modeling of protein sequence and biophysical properties (such as structural, functional, and spatial information, amino acid conservation, physicochemical variation, residue mobility, and thermodynamic stability) performed at Invitae indicates that this missense variant is expected to disrupt HIVEP2 protein function with a positive predictive value of 80%. In summary, the available evidence is currently insufficient to determine the role of this variant in disease. Therefore, it has been classified as a Variant of Uncertain Significance.